The following is an entry in ClinVar:

NM_001009944.3(PKD1):c.5587_5588del (p.Ser1863fs)

Gene: PKD1 (polycystin 1, transient receptor potential channel interacting; minus strand). Cytogenetic location: 16p13.3.
Variant type: Microsatellite.
Coding change: c.5587_5588del on transcript NM_001009944.3 (MANE Select); coding-DNA positions 5587 to 5588, 2 bases deleted (TC; older notation c.5587_5588delTC).
Protein change: p.Ser1863fs; shifts the reading frame from serine 1863.
Molecular consequence: frameshift variant.
Genome position (GRCh38, 1-based): chr16:2,109,579-2,109,580, GA deleted on the plus strand (TC on the coding strand, the reverse complement: PKD1 is on the minus strand); deleting any 2 consecutive bases within chr16:2,109,579-2,109,582 gives the same sequence; the c. name uses the placement nearest the transcript's 3' end. VCF-style (leftmost placement, unchanged base first): chr16-2109578-GGA-G. GRCh37 (hg19) VCF-style: chr16-2159579-GGA-G.
Other names: p.Ser1863Hisfs*126; c.5587_5588del, p.Ser1863fs (NM_000296.4); short protein forms S1863fs.
Identifiers: ClinVar variation 3381138 (VCV003381138.1).

ClinVar aggregate classification (germline): Likely pathogenic (1 of 4 stars; one submission).

Submission:

Mayo Clinic Laboratories, Mayo Clinic
Classification: Likely pathogenic. Last evaluated: 2024-04-30. Review status: criteria provided, single submitter. Criteria: ACMG Guidelines, 2015. Collection method: clinical testing. Allele origin: germline. Observed: 2 variant alleles.
Comment: PM2, PVS1